The following is an entry in ClinVar:

NM_033198.4(PIGS):c.923A>G (p.Glu308Gly)

Gene: PIGS (phosphatidylinositol glycan anchor biosynthesis class S; minus strand). Cytogenetic location: 17q11.2.
Variant type: single nucleotide variant.
Coding change: c.923A>G on transcript NM_033198.4 (MANE Select); coding-DNA position 923, A replaced by G.
Protein change: p.Glu308Gly; replaces glutamic acid 308 with glycine.
Molecular consequence: missense variant.
Genome position (GRCh38, 1-based): chr17:28,558,487, T>C on the plus strand (A>G on the coding strand, the complement: PIGS is on the minus strand). VCF-style: chr17-28558487-T-C. GRCh37 (hg19) VCF-style: chr17-26885505-T-C.
Other names: short protein forms E308G.
Identifiers: ClinVar variation 585256 (VCV000585256.5), dbSNP rs1426262136, ClinGen allele CA398348805.

ClinVar aggregate classification (germline): Conflicting classifications of pathogenicity. Review status: criteria provided, conflicting classifications (1 of 4 stars). 3 submissions from 3 submitters: Likely pathogenic (1); Uncertain significance (1). 1 of the submissions does not count toward it. Last evaluated 2026-05-01.

Conditions:
Glycosylphosphatidylinositol biosynthesis defect 18. Also called: DEVELOPMENTAL AND EPILEPTIC ENCEPHALOPATHY 95. Identifiers: MedGen C4748357, MONDO:0029140, OMIM 618143.

Allele frequency attached by ClinVar (database versions not stated): gnomAD exomes below 0.00001.
gnomAD v4.1: 2 of 1,611,280 alleles (0.00012%); highest among the groups gnomAD compares: East Asian, 0.0022%; no homozygotes.

Submissions (3):

Women's Health and Genetics/Laboratory Corporation of America, LabCorp
Classification: Uncertain significance. Last evaluated: 2026-05-01. Review status: criteria provided, single submitter. Criteria: LabCorp Variant Classification Summary - May 2015. Collection method: clinical testing. Allele origin: germline.
Comment: Variant summary: PIGS c.923A>G (p.Glu308Gly) results in a non-conservative amino acid change in the encoded protein sequence. Algorithms developed to predict the effect of missense changes on protein structure and function are either unavailable or do not agree on the potential impact of this missense change. The variant allele was found at a frequency of 4e-06 in 248168 control chromosomes (gnomAD). c.923A>G has been observed in individuals affected with joint contractures, consistent with fetal akinesia (Nguyen_2018). These data indicate that the variant may be associated with disease. To our knowledge, no experimental evidence demonstrating an impact on protein function has been reported. The following publication have been ascertained in the context of this evaluation (PMID: 30269814). ClinVar contains an entry for this variant (Variation ID: 585256). Based on the evidence outlined above, the variant was classified as VUS-possibly pathogenic.

SIB Swiss Institute of Bioinformatics
Classification: Likely pathogenic for Glycosylphosphatidylinositol biosynthesis defect 18. Last evaluated: 2019-02-27. Review status: criteria provided, single submitter. Criteria: ACMG Guidelines, 2015. Collection method: curation. Allele origin: unknown.
Comment: This variant is interpreted as a Likely pathogenic for Glycosylphosphatidylinositol biosynthesis defect 18, autosomal recessive. The following ACMG Tag(s) were applied: PM2, PP3, PS3.

OMIM
Classification: Pathogenic for DEVELOPMENTAL AND EPILEPTIC ENCEPHALOPATHY 95. Last evaluated: 2021-05-21. Review status: no assertion criteria provided. Collection method: literature only. Allele origin: germline. Not counted in ClinVar's aggregate classification.

Literature cited by the submitters: PubMed 30269814 (cited by 3 submitters).